The following is an entry in ClinVar:

ClinVar aggregate classification (germline): Likely benign (1 of 4 stars; one submission).

Conditions:
Peroxisome biogenesis disorder 5A (Zellweger) (PBD5A). Identifiers: Orphanet 912, MedGen C3553940, MONDO:0013932, OMIM 614866.

Allele frequency attached by ClinVar (database versions not stated): gnomAD 0.00343 and 0.00361; 1000 Genomes Project 0.00359; 1000 Genomes Project 30x 0.00359; TOPMed 0.00430.

Submission:

Illumina Laboratory Services, Illumina
Classification: Likely benign for Peroxisome biogenesis disorder 5A (Zellweger). Last evaluated: 2018-01-12. Review status: criteria provided, single submitter. Criteria: ICSL Variant Classification Criteria 13 December 2019. Collection method: clinical testing. Allele origin: germline.
Comment: This variant was observed in the ICSL laboratory as part of a predisposition screen in an ostensibly healthy population. It had not been previously curated by ICSL or reported in the Human Gene Mutation Database (HGMD: prior to June 1st, 2018), and was therefore a candidate for classification through an automated scoring system. Utilizing variant allele frequency, disease prevalence and penetrance estimates, and inheritance mode, an automated score was calculated to assess if this variant is too frequent to cause the disease. Based on the score and internal cut-off values, a variant classified as likely benign is not then subjected to further curation. The score for this variant resulted in a classification of likely benign for this disease.

NM_000318.3(PEX2):c.*789C>T

Gene: PEX2 (peroxisomal biogenesis factor 2; minus strand). Cytogenetic location: 8q21.13.
Variant type: single nucleotide variant.
Coding change: c.*789C>T on transcript NM_000318.3 (MANE Select); 789 bases downstream of the stop codon, C replaced by T.
Molecular consequence: 3 prime UTR variant.
Genome position (GRCh38, 1-based): chr8:76,982,472, G>A on the plus strand (C>T on the coding strand, the complement: PEX2 is on the minus strand). VCF-style: chr8-76982472-G-A. GRCh37 (hg19) VCF-style: chr8-77894708-G-A.
Other names: c.*789C>T (NM_001079867.2, NM_001172086.2, NM_001172087.2).
Identifiers: ClinVar variation 911351 (VCV000911351.4), dbSNP rs144050052, ClinGen allele CA179988142.